The following is an entry in ClinVar:

ClinVar aggregate classification (germline): Uncertain significance. Review status: criteria provided, multiple submitters, no conflicts (2 of 4 stars). 2 submissions from 2 submitters: Uncertain significance (2). Last evaluated 2025-05-04.

Conditions:
Epilepsy, familial adult myoclonic, 5 (EPEO5). Also called: CORTICAL MYOCLONIC TREMOR WITH EPILEPSY, FAMILIAL, 5. Identifiers: Orphanet 86814, MedGen C3809374, MONDO:0014167, OMIM 615400.

Allele frequency attached by ClinVar (database versions not stated): ExAC 0.00002; gnomAD 0.00010 and 0.00011; TOPMed 0.00011; gnomAD exomes 0.00027 and 0.00006.
gnomAD v4.1: 400 of 1,610,842 alleles (0.025%); highest among the groups gnomAD compares: Non-Finnish European, 0.033%; no homozygotes.

Submissions (2):

Ambry Genetics
Classification: Uncertain significance. Last evaluated: 2025-05-04. Review status: criteria provided, single submitter. Criteria: Ambry Variant Classification Scheme 2023. Collection method: clinical testing. Allele origin: germline.

Labcorp Genetics (formerly Invitae), Labcorp
Classification: Uncertain significance for Epilepsy, familial adult myoclonic, 5. Last evaluated: 2022-09-07. Review status: criteria provided, single submitter. Criteria: Invitae Variant Classification Sherloc (09022015). Collection method: clinical testing. Allele origin: germline.
Comment: This sequence change replaces threonine, which is neutral and polar, with methionine, which is neutral and non-polar, at codon 456 of the CNTN2 protein (p.Thr456Met). This variant is present in population databases (rs770143299, gnomAD 0.02%). This variant has not been reported in the literature in individuals affected with CNTN2-related conditions. ClinVar contains an entry for this variant (Variation ID: 578301). Advanced modeling of protein sequence and biophysical properties (such as structural, functional, and spatial information, amino acid conservation, physicochemical variation, residue mobility, and thermodynamic stability) performed at Invitae indicates that this missense variant is not expected to disrupt CNTN2 protein function. In summary, the available evidence is currently insufficient to determine the role of this variant in disease. Therefore, it has been classified as a Variant of Uncertain Significance.

NM_005076.5(CNTN2):c.1367C>T (p.Thr456Met)

Gene: CNTN2 (contactin 2; plus strand). Cytogenetic location: 1q32.1.
Variant type: single nucleotide variant.
Coding change: c.1367C>T on transcript NM_005076.5 (MANE Select); coding-DNA position 1367, C replaced by T.
Protein change: p.Thr456Met; replaces threonine 456 with methionine.
Molecular consequence: missense variant. On other transcripts: non-coding transcript variant (1).
Genome position (GRCh38, 1-based): chr1:205,064,448, C>T. VCF-style: chr1-205064448-C-T. GRCh37 (hg19) VCF-style: chr1-205033576-C-T.
Other names: c.1367C>T, p.Thr456Met (NM_001346083.2); short protein forms T456M.
Identifiers: ClinVar variation 578301 (VCV000578301.9), dbSNP rs770143299, ClinGen allele CA1351353.